The following is an entry in ClinVar:

ClinVar aggregate classification (germline): Conflicting classifications of pathogenicity. Review status: criteria provided, conflicting classifications (1 of 4 stars). 2 submissions from 2 submitters: Uncertain significance (1); Likely benign (1). Last evaluated 2018-01-12.

Conditions:
Hereditary spastic paraplegia 5A (SPG5A). Also called: SPASTIC PARAPLEGIA 5A, AUTOSOMAL RECESSIVE. Identifiers: Orphanet 100986, MedGen C1849115, MONDO:0010047, OMIM 270800.
Hereditary spastic paraplegia. Also called: Familial spastic paraparesis. Identifiers: Orphanet 685, MedGen C0037773, MONDO:0019064. Disease mechanism: loss of function.

Allele frequency attached by ClinVar (database versions not stated): 1000 Genomes Project 30x 0.01811; 1000 Genomes Project 0.01837; TOPMed 0.02138; gnomAD 0.02195 and 0.02286; gnomAD exomes 0.02771.
gnomAD v4.1: 4,611 of 192,882 alleles (2.4%); highest among the groups gnomAD compares: South Asian, 4.4%; 80 homozygotes.

Submissions (2):

Illumina Laboratory Services, Illumina
Classification: Likely benign for Hereditary spastic paraplegia 5A. Last evaluated: 2018-01-12. Review status: criteria provided, single submitter. Criteria: ICSL Variant Classification Criteria 13 December 2019. Collection method: clinical testing. Allele origin: germline.
Comment: This variant was observed in the ICSL laboratory as part of a predisposition screen in an ostensibly healthy population. It had not been previously curated by ICSL or reported in the Human Gene Mutation Database (HGMD: prior to June 1st, 2018), and was therefore a candidate for classification through an automated scoring system. Utilizing variant allele frequency, disease prevalence and penetrance estimates, and inheritance mode, an automated score was calculated to assess if this variant is too frequent to cause the disease. Based on the score and internal cut-off values, a variant classified as likely benign is not then subjected to further curation. The score for this variant resulted in a classification of likely benign for this disease.

Genome Diagnostics Laboratory, The Hospital for Sick Children
Classification: Uncertain significance for Hereditary spastic paraplegia. Last evaluated: 2016-12-28. Review status: criteria provided, single submitter. Criteria: ACMG Guidelines, 2015. Collection method: clinical testing. Allele origin: germline. Affected: yes.

NM_004820.5(CYP7B1):c.*337T>G

Gene: CYP7B1 (cytochrome P450 family 7 subfamily B member 1; minus strand). Cytogenetic location: 8q12.3.
Variant type: single nucleotide variant.
Coding change: c.*337T>G on transcript NM_004820.5 (MANE Select); 337 bases downstream of the stop codon, T replaced by G.
Molecular consequence: 3 prime UTR variant. On other transcripts: intron variant (1).
Genome position (GRCh38, 1-based): chr8:64,596,305, A>C on the plus strand (T>G on the coding strand, the complement: CYP7B1 is on the minus strand). VCF-style: chr8-64596305-A-C. GRCh37 (hg19) VCF-style: chr8-65508862-A-C.
Other names: c.1234-6461T>G (NM_001324112.2).
Identifiers: ClinVar variation 363576 (VCV000363576.8), dbSNP rs118000312, ClinGen allele CA10631424.